The following is an entry in ClinVar:

NM_002230.4(JUP):c.1281G>A (p.Thr427=)

Gene: JUP (junction plakoglobin; minus strand). Cytogenetic location: 17q21.2.
Variant type: single nucleotide variant.
Coding change: c.1281G>A on transcript NM_002230.4 (MANE Select); coding-DNA position 1281, G replaced by A.
Protein change: p.Thr427=; no amino-acid change (threonine 427 retained).
Molecular consequence: synonymous variant.
Genome position (GRCh38, 1-based): chr17:41,763,199, C>T on the plus strand (G>A on the coding strand, the complement: JUP is on the minus strand). VCF-style: chr17-41763199-C-T. GRCh37 (hg19) VCF-style: chr17-39919451-C-T.
Other names: p.T427T:ACG>ACA; c.1281G>A, p.Thr427= (NM_001352773.2, NM_001352774.2, NM_001352775.2 and 3 more transcripts).
Identifiers: ClinVar variation 137612 (VCV000137612.19), dbSNP rs373544304, ClinGen allele CA291265.

ClinVar aggregate classification (germline): Benign/Likely benign. Review status: criteria provided, multiple submitters, no conflicts (2 of 4 stars). 5 submissions from 5 submitters: Benign (1); Likely benign (4). Last evaluated 2026-01-05.

Conditions:
Cardiovascular phenotype. Identifiers: MedGen CN230736.
Arrhythmogenic right ventricular dysplasia 12. Also called: ARRHYTHMOGENIC RIGHT VENTRICULAR DYSPLASIA, FAMILIAL, 12. Identifiers: MedGen C1969081, MONDO:0012684, OMIM 611528.
Naxos disease (NXD). Also called: WOOLLY HAIR, PALMOPLANTAR KERATODERMA, AND CARDIAC ABNORMALITIES; CARDIOMYOPATHY, ARRHYTHMOGENIC RIGHT VENTRICULAR, WITH SKIN, HAIR, AND NAIL ABNORMALITIES; KERATOSIS PALMOPLANTARIS WITH ARRHYTHMOGENIC CARDIOMYOPATHY; MAL DE NAXOS; PALMOPLANTAR KERATODERMA WITH ARRHYTHMOGENIC RIGHT VENTRICULAR CARDIOMYOPATHY AND WOOLLY HAIR. Identifiers: Orphanet 34217, MedGen C1832600, MONDO:0011017, OMIM 601214.

Allele frequency attached by ClinVar (database versions not stated): TOPMed 0.00011.
gnomAD v4.1: 47 of 1,614,104 alleles (0.0029%); highest among the groups gnomAD compares: East Asian, 0.076%; no homozygotes.

Submissions (5):

Labcorp Genetics (formerly Invitae), Labcorp
Classification: Likely benign for Arrhythmogenic right ventricular dysplasia 12; Naxos disease. Last evaluated: 2026-01-05. Review status: criteria provided, single submitter. Criteria: Invitae Variant Classification Sherloc (09022015). Collection method: clinical testing. Allele origin: germline.

Blueprint Genetics
Classification: Likely benign. Last evaluated: 2024-05-28. Review status: criteria provided, single submitter. Criteria: ACMG Guidelines, 2015. Collection method: clinical testing. Allele origin: germline.

Phosphorus, Inc.
Classification: Likely benign. Last evaluated: 2022-01-17. Review status: criteria provided, single submitter. Criteria: ACMG Guidelines, 2015. Collection method: clinical testing. Allele origin: germline. Inheritance: Autosomal recessive inheritance.
Comment: This synonymous variant has an entry in ClinVar (137612) NM_002230.4 (JUP): c.1281G>A (p.Thr427=) and has occurred in GnomAD with a total MAF of 0.0106% and highest MAF of 0.1449% in the East Asian population. This position is not conserved. In silico splicing algorithm was unavailable, however it is not predicted to impact splicing due to its distance from the splice site. No functional studies were performed to confirm this prediction. The variant has not occurred in literature associated with disease. Considering the above evidence, this variant has been classified as Likely Benign.

Ambry Genetics
Classification: Likely benign for Cardiovascular phenotype. Last evaluated: 2016-07-06. Review status: criteria provided, single submitter. Criteria: Ambry Variant Classification Scheme 2023. Collection method: clinical testing. Allele origin: germline.

GeneDx
Classification: Benign. Last evaluated: 2012-10-10. Review status: criteria provided, single submitter. Criteria: GeneDx Variant Classification (06012015). Collection method: clinical testing. Allele origin: germline. Affected: yes.
Comment: This variant is considered likely benign or benign based on one or more of the following criteria: it is a conservative change, it occurs at a poorly conserved position in the protein, it is predicted to be benign by multiple in silico algorithms, and/or has population frequency not consistent with disease.